The following is an entry in ClinVar:

NM_012330.4(KAT6B):c.2735A>G (p.Glu912Gly)

Gene: KAT6B (lysine acetyltransferase 6B; plus strand). Cytogenetic location: 10q22.2.
Variant type: single nucleotide variant.
Coding change: c.2735A>G on transcript NM_012330.4 (MANE Select); coding-DNA position 2735, A replaced by G.
Protein change: p.Glu912Gly; replaces glutamic acid 912 with glycine.
Molecular consequence: missense variant.
Genome position (GRCh38, 1-based): chr10:75,020,687, A>G. VCF-style: chr10-75020687-A-G. GRCh37 (hg19) VCF-style: chr10-76780445-A-G.
Other names: c.2186A>G, p.Glu729Gly (NM_001256468.2, NM_001370138.1); c.1859A>G, p.Glu620Gly (NM_001256469.2, NM_001370139.1, NM_001370140.1 and 2 more transcripts); c.1697A>G, p.Glu566Gly (NM_001370132.1); c.1046A>G, p.Glu349Gly (NM_001370133.1); c.650A>G, p.Glu217Gly (NM_001370134.1); c.392A>G, p.Glu131Gly (NM_001370135.1); c.2735A>G, p.Glu912Gly (NM_001370136.1, NM_001370137.1); c.1670A>G, p.Glu557Gly (NM_001370143.1, NM_001370144.1); short protein forms E131G, E217G, E349G, E557G, E566G, E620G, E729G, E912G.
Identifiers: ClinVar variation 2573566 (VCV002573566.1), dbSNP rs1845331175, ClinGen allele CA377280863.

ClinVar aggregate classification (germline): Uncertain significance (1 of 4 stars; one submission).

Allele frequency attached by ClinVar (database versions not stated): TOPMed below 0.00001.

Submission:

Women's Health and Genetics/Laboratory Corporation of America, LabCorp
Classification: Uncertain significance. Last evaluated: 2023-06-19. Review status: criteria provided, single submitter. Criteria: LabCorp Variant Classification Summary - May 2015. Collection method: clinical testing. Allele origin: germline.
Comment: Variant summary: KAT6B c.2735A>G (p.Glu912Gly) results in a non-conservative amino acid change located in the Histone acetyltransferase domain, MYST-type (IPR002717) of the encoded protein sequence. Five of five in-silico tools predict a damaging effect of the variant on protein function. The variant was absent in 251320 control chromosomes. The available data on variant occurrences in the general population are insufficient to allow any conclusion about variant significance. To our knowledge, no occurrence of c.2735A>G in individuals affected with KAT6B-Related Spectrum Disorders and no experimental evidence demonstrating its impact on protein function have been reported. No clinical diagnostic laboratories have submitted clinical-significance assessments for this variant to ClinVar after 2014. Based on the evidence outlined above, the variant was classified as uncertain significance.